The following is an entry in ClinVar:

ClinVar aggregate classification (germline): Conflicting classifications of pathogenicity. Review status: criteria provided, conflicting classifications (1 of 4 stars). 4 submissions from 3 submitters: Pathogenic (1); Uncertain significance (2). 1 of the submissions does not count toward it. Last evaluated 2025-01-01.

Conditions:
Xeroderma pigmentosum, group G (XPG). Also called: Xeroderma pigmentosum type 7; XERODERMA PIGMENTOSUM VII; XP, GROUP G; ERCC5-Related Xeroderma Pigmentosum. Identifiers: MedGen C0268141, MONDO:0010216, OMIM 278780.

Submissions (4):

Medical Molecular Genetics Department, National Research Center
Classification: Pathogenic for Xeroderma pigmentosum, group G. Last evaluated: 2025-01-01. Review status: criteria provided, single submitter. Criteria: ACMG Guidelines, 2015. Collection method: research. Allele origin: germline. Affected: yes. Observed: 3 variant alleles.
Comment: The ERCC5(NM_000123.4):c.2392G>T, p.(Asp798Tyr) variant is a missense variant where the negatively charged hydrophilic side chain of aspartate (Asp) is replaced by the hydrophobic aromatic side chain of tyrosine (Y). The variant is located in a region of interest 'I-domain' of ERCC5_HUMAN UniProt protein which has 23 missense/in-frame variants (5 pathogenic variants, 18 uncertain variants, and no benign), which qualifies as supporting pathogenic (PM1) This variant is absent from large population cohorts (gnomAD; PM2). It was identified in a proband diagnosed with XP/CS which represents a highly specific phenotype for ERCC5-related disease (PP4). This variant has been reported in at least one proband with XP/CS consistent with ERCC5-related disease (PMID: 24354460); PS4), authors mentioned skin fibroblasts of patients showed reduced response to UV-damage. Multiple lines of computational evidence support a deleterious effect on the gene or gene product (PP3). In summary, this variant meets criteria to be classified as pathogenic for XP/CS based on the ACMG criteria: PS4, PM1, PM2, PP1, PP3 and PP4.

Genomic Medicine Center of Excellence, King Faisal Specialist Hospital and Research Centre
Classification: Uncertain significance for Xeroderma pigmentosum, group G. Last evaluated: 2024-03-25. Review status: criteria provided, single submitter. Criteria: ACMG Guidelines, 2015. Collection method: clinical testing. Allele origin: germline.

Labcorp Genetics (formerly Invitae), Labcorp
Classification: Uncertain significance. Last evaluated: 2022-06-17. Review status: criteria provided, single submitter. Criteria: Invitae Variant Classification Sherloc (09022015). Collection method: clinical testing. Allele origin: germline.
Comment: In summary, the available evidence is currently insufficient to determine the role of this variant in disease. Therefore, it has been classified as a Variant of Uncertain Significance. Algorithms developed to predict the effect of missense changes on protein structure and function are either unavailable or do not agree on the potential impact of this missense change (SIFT: "Deleterious"; PolyPhen-2: "Probably Damaging"; Align-GVGD: "Class C0"). This missense change has been observed in individuals with clinical features of Cockayne syndrome (PMID: 24354460). This variant is not present in population databases (gnomAD no frequency). This sequence change replaces aspartic acid, which is acidic and polar, with tyrosine, which is neutral and polar, at codon 798 of the ERCC5 protein (p.Asp798Tyr).

Genomic Medicine Center of Excellence, King Faisal Specialist Hospital and Research Centre
Classification: Likely pathogenic for Xeroderma pigmentosum, group G. Last evaluated: 2021-04-29. Review status: flagged submission. Collection method: research. Allele origin: germline. Affected: no. Not counted in ClinVar's aggregate classification.
ClinVar note: Reason: This record appears to be redundant with a more recent record from the same submitter.
ClinVar note: Notes: SCV001870463 appears to be redundant with SCV004806040.

Literature cited by the submitters: PubMed 24354460 (cited by Medical Molecular Genetics Department, National Research Center and Labcorp Genetics (formerly Invitae), Labcorp).

NM_000123.4(ERCC5):c.2392G>T (p.Asp798Tyr)

Genes: BIVM-ERCC5 (BIVM-ERCC5 readthrough; plus strand), ERCC5 (ERCC excision repair 5, endonuclease; plus strand), LOC126861834 (BRD4-independent group 4 enhancer GRCh37_chr13:103518038-103519237; plus strand). Cytogenetic location: 13q33.1.
Variant type: single nucleotide variant.
Coding change: c.2392G>T on transcript NM_000123.4 (MANE Select); coding-DNA position 2392, G replaced by T.
Protein change: p.Asp798Tyr; replaces aspartic acid 798 with tyrosine.
Molecular consequence: missense variant.
Genome position (GRCh38, 1-based): chr13:102,866,704, G>T. VCF-style: chr13-102866704-G-T. GRCh37 (hg19) VCF-style: chr13-103519054-G-T.
Other names: c.3754G>T, p.Asp1252Tyr (NM_001204425.2); short protein forms D1252Y, D798Y.
Identifiers: ClinVar variation 1252023 (VCV001252023.7), dbSNP rs755253596, ClinGen allele CA388576344.